The following is an entry in ClinVar:

NM_020975.6(RET):c.341G>A (p.Arg114His)

Gene: RET (ret proto-oncogene; plus strand). Cytogenetic location: 10q11.21.
Variant type: single nucleotide variant.
Coding change: c.341G>A on transcript NM_020975.6 (MANE Select); coding-DNA position 341, G replaced by A.
Protein change: p.Arg114His; replaces arginine 114 with histidine.
Molecular consequence: missense variant.
Genome position (GRCh38, 1-based): chr10:43,102,345, G>A. VCF-style: chr10-43102345-G-A. GRCh37 (hg19) VCF-style: chr10-43597793-G-A.
Other names: c.341G>A, p.Arg114His (NM_000323.2, NM_001406743.1, NM_001406744.1 and 16 more transcripts); short protein forms R114H.
Identifiers: ClinVar variation 13947 (VCV000013947.54), dbSNP rs76397662, ClinGen allele CA009235.
Genomic context (GRCh38, chr10:43,102,345, plus strand): 5'-TCCCGACTGCCTGGCAGATGTGGCCGATGCCCCCACAGACCTGACTTCTCTCTGCAGACC[G>A]CGGCTTTCCCCTGCTCACCGTCTACCTCAAGGTCTTCCTGTCACCCACATCCCTTCGTGA-3'
Protein context (NP_066124.1, residues 104-124): SSWEKLSVRN[Arg114His]GFPLLTVYLK

ClinVar aggregate classification (germline): Benign/Likely benign. Review status: criteria provided, multiple submitters, no conflicts (2 of 4 stars). 14 submissions from 12 submitters: Benign (9); Likely benign (3). 2 of the submissions do not count toward it. Last evaluated 2026-02-01.

Conditions:
RET-related disorder. Also called: RET-related condition; RET-related disease; RET-related disorders.
Multiple endocrine neoplasia. Identifiers: Orphanet 276161, MedGen C0027662, MONDO:0017169.
Hereditary cancer-predisposing syndrome. Also called: Neoplastic Syndromes, Hereditary; Tumor predisposition; Hereditary neoplastic syndrome; Hereditary Cancer Syndrome. Identifiers: Orphanet 140162, MedGen C0027672, MeSH D009386, MONDO:0015356.
Multiple endocrine neoplasia, type 2 (MEN2). Identifiers: Orphanet 653, MedGen C4048306, MONDO:0019003. Disease mechanism: gain of function.
Hirschsprung disease, susceptibility to, 1 (HSCR1). Also called: RET-Related Hirschsprung Disease. Identifiers: Orphanet 388, MedGen C3888239, MONDO:0007723, OMIM 142623.
Multiple endocrine neoplasia type 2B. Also called: MEN 2B; Multiple endocrine neoplasia, type 3; MULTIPLE ENDOCRINE NEOPLASIA, TYPE IIB; MUCOSAL NEUROMA SYNDROME; NEUROMATA, MUCOSAL, WITH ENDOCRINE TUMORS; WAGENMANN-FROBOESE SYNDROME. Identifiers: Orphanet 247709, Orphanet 653, MedGen C0025269, MeSH D018814, MONDO:0008082, OMIM 162300.
Congenital central hypoventilation. Also called: Congenital Central Hypoventilation Syndrome. Identifiers: Orphanet 661, Orphanet 99803, MedGen C1275808, MONDO:0800031. Disease mechanism: gain of function.
Pheochromocytoma. Also called: MAX-Related Hereditary Paraganglioma-Pheochromocytoma Syndrome. Identifiers: Orphanet 29072, MedGen C0031511, MONDO:0008233, OMIM 171300, HP:0002666.
Renal hypodysplasia/aplasia 1 (RHDA1). Also called: RENAL APLASIA; HEREDITARY RENAL APLASIA. Identifiers: Orphanet 411709, MedGen C1619700, MONDO:0024519, OMIM 191830.

Allele frequency attached by ClinVar (database versions not stated): 1000 Genomes Project 0.00140; gnomAD 0.00029 and 0.00039; ExAC 0.00088; 1000 Genomes Project 30x 0.00109; TOPMed 0.00036; gnomAD exomes 0.00024 and 0.00079.
gnomAD v4.1: 407 of 1,613,936 alleles (0.025%); highest among the groups gnomAD compares: East Asian, 0.72%; 1 homozygote.

Submissions (14):

Labcorp Genetics (formerly Invitae), Labcorp
Classification: Benign for Multiple endocrine neoplasia, type 2. Last evaluated: 2026-02-01. Review status: criteria provided, single submitter. Criteria: Invitae Variant Classification Sherloc (09022015). Collection method: clinical testing. Allele origin: germline.

PreventionGenetics, part of Exact Sciences
Classification: Likely benign for RET-related condition. Last evaluated: 2025-06-16. Review status: criteria provided, single submitter. Criteria: ACMG Guidelines, 2015. Collection method: clinical testing. Allele origin: germline.
Comment: This variant is classified as likely benign based on ACMG/AMP sequence variant interpretation guidelines (Richards et al. 2015 PMID: 25741868, with internal and published modifications).

CeGaT Center for Human Genetics Tuebingen
Classification: Likely benign. Last evaluated: 2023-08-01. Review status: criteria provided, single submitter. Criteria: CeGaT Center For Human Genetics Tuebingen Variant Classification Criteria Version 2. Collection method: clinical testing. Allele origin: germline. Affected: yes. Observed: 1 variant allele.
Comment: RET: BP4, BS1

Color Diagnostics, LLC DBA Color Health
Classification: Benign for Multiple endocrine neoplasia, type 2. Last evaluated: 2022-11-15. Review status: criteria provided, single submitter. Criteria: ACMG Guidelines, 2015. Collection method: clinical testing. Allele origin: germline.

Sema4
Classification: Benign for Hereditary cancer-predisposing syndrome. Last evaluated: 2020-04-28. Review status: criteria provided, single submitter. Criteria: Sema4 Curation Guidelines. Collection method: curation. Allele origin: germline.

Equipe Genetique des Anomalies du Developpement, Université de Bourgogne
Classification: Benign for Multiple endocrine neoplasia type 2B. Last evaluated: 2018-11-21. Review status: criteria provided, single submitter. Criteria: ACMG Guidelines, 2015. Collection method: clinical testing. Allele origin: unknown.

Illumina Laboratory Services, Illumina
Classification: Likely benign for Renal hypodysplasia/aplasia 1. Last evaluated: 2017-04-28. Review status: criteria provided, single submitter. Criteria: ICSL Variant Classification Criteria 13 December 2019. Collection method: clinical testing. Allele origin: germline.
Comment: This variant was observed as part of a predisposition screen in an ostensibly healthy population. A literature search was performed for the gene, cDNA change, and amino acid change (where applicable). No publications were found based on this search. Allele frequency data from public databases allowed determination this variant is unlikely to cause disease. Therefore, this variant is classified as likely benign.

Illumina Laboratory Services, Illumina
Classification: Benign for Multiple endocrine neoplasia. Last evaluated: 2017-04-28. Review status: criteria provided, single submitter. Criteria: ICSL Variant Classification Criteria 13 December 2019. Collection method: clinical testing. Allele origin: germline.
Comment: This variant was observed as part of a predisposition screen in an ostensibly healthy population. A literature search was performed for the gene, cDNA change, and amino acid change (where applicable). No publications were found based on this search. Allele frequency data from public databases was too high to be consistent with this variant causing disease. Therefore, this variant is classified as benign.

Illumina Laboratory Services, Illumina
Classification: Benign for Pheochromocytoma. Last evaluated: 2017-04-28. Review status: criteria provided, single submitter. Criteria: ICSL Variant Classification Criteria 13 December 2019. Collection method: clinical testing. Allele origin: germline.
Comment: the same text as in the submission from Illumina Laboratory Services, Illumina above.

GeneDx
Classification: Benign. Last evaluated: 2017-01-05. Review status: criteria provided, single submitter. Criteria: GeneDx Variant Classification (06012015). Collection method: clinical testing. Allele origin: germline. Affected: yes.
Comment: This variant is considered likely benign or benign based on one or more of the following criteria: it is a conservative change, it occurs at a poorly conserved position in the protein, it is predicted to be benign by multiple in silico algorithms, and/or has population frequency not consistent with disease.

Soonchunhyang University Bucheon Hospital, Soonchunhyang University Medical Center
Classification: Benign for Hirschsprung disease, susceptibility to, 1. Last evaluated: 2016-03-18. Review status: criteria provided, single submitter. Criteria: ACMG Guidelines, 2015. Collection method: reference population. Allele origin: germline. Observed: 1 variant allele.

Ambry Genetics
Classification: Benign for Hereditary cancer-predisposing syndrome. Last evaluated: 2015-11-09. Review status: criteria provided, single submitter. Criteria: Ambry Variant Classification Scheme 2023. Collection method: clinical testing. Allele origin: germline.

ITMI
No classification provided. Condition: AllHighlyPenetrant. Last evaluated: 2013-09-19. Review status: no classification provided. Collection method: reference population. Allele origin: germline. Not counted in ClinVar's aggregate classification.
Comment: Please see associated publication for description of ethnicities

OMIM
Classification: Uncertain significance for RECLASSIFIED - VARIANT OF UNKNOWN SIGNIFICANCE. Last evaluated: 2002-04-01. Review status: no assertion criteria provided. Collection method: literature only. Allele origin: germline. Not counted in ClinVar's aggregate classification.

Literature cited by the submitters: PubMed 12086152 (cited by 3 submitters); PubMed 20473317 (cited by Soonchunhyang University Bucheon Hospital, Soonchunhyang University Medical Center and Ambry Genetics); PubMed 14633923 (cited by Ambry Genetics); PubMed 20532249 (cited by Ambry Genetics); PubMed 22174939 (cited by Ambry Genetics); PubMed 23084198 (cited by Ambry Genetics); PubMed 24728327 (cited by Ambry Genetics and ITMI); Hamosh, A. Personal Communication. 2021. Baltimore, Md. (cited by OMIM); Kanai, M. Personal Communication. 2002. Yamagata, Japan (cited by OMIM).